The following is an entry in ClinVar:

ClinVar aggregate classification (germline): Uncertain significance. Review status: criteria provided, multiple submitters, no conflicts (2 of 4 stars). 2 submissions from 2 submitters: Uncertain significance (2). Last evaluated 2025-03-09.

Conditions:
Inborn genetic diseases. Identifiers: MedGen C0950123, MeSH D030342.
GNE myopathy (NM). Also called: NONAKA DISTAL MYOPATHY; INCLUSION BODY MYOPATHY, HEREDITARY, AUTOSOMAL RECESSIVE; INCLUSION BODY MYOPATHY 2, AUTOSOMAL RECESSIVE; MYOPATHY, DISTAL, WITH OR WITHOUT RIMMED VACUOLES; IBM 2; Inclusion body myopathy autosomal recessive. Identifiers: Orphanet 602, MedGen C1853926, MONDO:0011603, OMIM 605820.
Sialuria. Also called: SIALURIA, FRENCH TYPE; Sialic Acid Storage Disease. Identifiers: Orphanet 3166, MedGen C0342853, MONDO:0010028, OMIM 269921.

Submissions (2):

Labcorp Genetics (formerly Invitae), Labcorp
Classification: Uncertain significance for Sialuria; GNE myopathy. Last evaluated: 2025-03-09. Review status: criteria provided, single submitter. Criteria: Invitae Variant Classification Sherloc (09022015). Collection method: clinical testing. Allele origin: germline.
Comment: This sequence change replaces valine, which is neutral and non-polar, with glycine, which is neutral and non-polar, at codon 501 of the GNE protein (p.Val501Gly). This variant is not present in population databases (gnomAD no frequency). This variant has not been reported in the literature in individuals affected with GNE-related conditions. ClinVar contains an entry for this variant (Variation ID: 3281778). An algorithm developed to predict the effect of missense changes on protein structure and function (PolyPhen-2) suggests that this variant is likely to be disruptive. In summary, the available evidence is currently insufficient to determine the role of this variant in disease. Therefore, it has been classified as a Variant of Uncertain Significance.

Ambry Genetics
Classification: Uncertain significance for Inborn genetic diseases. Last evaluated: 2024-06-04. Review status: criteria provided, single submitter. Criteria: Ambry Variant Classification Scheme 2023. Collection method: clinical testing. Allele origin: germline.

NM_005476.7(GNE):c.1409T>G (p.Val470Gly)

Gene: GNE (glucosamine (UDP-N-acetyl)-2-epimerase/N-acetylmannosamine kinase; minus strand). Cytogenetic location: 9p13.3.
Variant type: single nucleotide variant.
Coding change: c.1409T>G on transcript NM_005476.7 (MANE Select); coding-DNA position 1409, T replaced by G.
Protein change: p.Val470Gly; replaces valine 470 with glycine.
Molecular consequence: missense variant.
Genome position (GRCh38, 1-based): chr9:36,223,375, A>C on the plus strand (T>G on the coding strand, the complement: GNE is on the minus strand). VCF-style: chr9-36223375-A-C. GRCh37 (hg19) VCF-style: chr9-36223372-A-C.
Other names: c.1502T>G, p.Val501Gly (NM_001128227.3); c.1409T>G, p.Val470Gly (NM_001190383.3); c.1079T>G, p.Val360Gly (NM_001190384.3); c.1232T>G, p.Val411Gly (NM_001190388.2, NM_001374798.1); c.1256T>G, p.Val419Gly (NM_001374797.1); short protein forms V501G, V360G, V411G, V419G, V470G.
Identifiers: ClinVar variation 3281778 (VCV003281778.2).
Genomic context (GRCh38, chr9:36,223,375, plus strand): 5'-TTAGTAAATTTTGTACATTAAAATGAGCATTTCTTGGATTTATAATTTACAATCTTACCT[A>C]CTCCCAAAATTCTGCAGTTCAGTTTTACAGCTTCTGCTGCAGCTTCCACACACATCTGTA-3'
Protein context (NP_005467.1, residues 460-480): AVKLNCRILG[Val470Gly]GISTGGRVNP